The following is an entry in ClinVar:

ClinVar aggregate classification (germline): Conflicting classifications of pathogenicity. Review status: criteria provided, conflicting classifications (1 of 4 stars). 2 submissions from 2 submitters: Uncertain significance (1); Likely benign (1). Last evaluated 2025-03-13.

Conditions:
Hereditary cancer-predisposing syndrome. Also called: Tumor predisposition; Neoplastic Syndromes, Hereditary; Hereditary neoplastic syndrome; Hereditary Cancer Syndrome. Identifiers: Orphanet 140162, MedGen C0027672, MeSH D009386, MONDO:0015356.
Pheochromocytoma/paraganglioma syndrome 3. Also called: GLOMUS TUMORS, FAMILIAL, 3; Paragangliomas 3; SDHC-Related Hereditary Paraganglioma-Pheochromocytoma Syndrome (Paragangliomas 3); SDHC-Related Hereditary Paraganglioma-Pheochromocytoma Syndrome. Identifiers: Orphanet 29072, MedGen C1854336, MONDO:0011544, OMIM 605373.

Submissions (2):

Myriad Genetics, Inc.
Classification: Likely benign for Pheochromocytoma/paraganglioma syndrome 3. Last evaluated: 2025-03-13. Review status: criteria provided, single submitter. Criteria: Myriad Autosomal Dominant, Autosomal Recessive and X-Linked Classification Criteria (2023). Collection method: clinical testing. Allele origin: unknown.
Comment: This variant is considered likely benign. This variant is intronic and is not expected to impact mRNA splicing.

Ambry Genetics
Classification: Uncertain significance for Hereditary cancer-predisposing syndrome. Last evaluated: 2025-01-14. Review status: criteria provided, single submitter. Criteria: Ambry Variant Classification Scheme 2023. Collection method: clinical testing. Allele origin: germline.
Comment: The c.20+5C>G intronic variant results from a C to G substitution 5 nucleotides after coding exon 1 in the SDHC gene. This nucleotide position is highly conserved in available vertebrate species. In silico splice site analysis predicts that this alteration will not have any significant effect on splicing. Based on the available evidence, the clinical significance of this variant remains unclear.

NM_003001.5(SDHC):c.20+5C>G

Gene: SDHC (succinate dehydrogenase complex subunit C; plus strand). Cytogenetic location: 1q23.3.
Variant type: single nucleotide variant.
Coding change: c.20+5C>G on transcript NM_003001.5 (MANE Select); 5 bases into the intron after coding-DNA position 20, C replaced by G.
Molecular consequence: intron variant. On other transcripts: 5 prime UTR variant (1).
Genome position (GRCh38, 1-based): chr1:161,314,430, C>G. VCF-style: chr1-161314430-C-G. GRCh37 (hg19) VCF-style: chr1-161284220-C-G.
Other names: c.-536C>G (NM_001407119.1); c.-210+5C>G (NM_001407120.1); c.20+5C>G (NM_001407115.1, NM_001035511.3, NM_001035512.3 and 6 more transcripts).
Identifiers: ClinVar variation 3793596 (VCV003793596.2).